The following is an entry in ClinVar:

ClinVar aggregate classification (germline): Likely pathogenic. Review status: criteria provided, multiple submitters, no conflicts (2 of 4 stars). 2 submissions from 2 submitters: Likely pathogenic (2). Last evaluated 2024-05-01.

Conditions:
Autosomal recessive polycystic kidney disease (ARPKD). Also called: AR polycystic kidney disease. Identifiers: Orphanet 731, Orphanet 8378, MedGen C0085548, MeSH D017044, MONDO:0009889.

Submissions (2):

Natera, Inc.
Classification: Likely pathogenic for Autosomal recessive polycystic kidney disease. Last evaluated: 2024-05-01. Review status: criteria provided, single submitter. Criteria: Natera Variant Classification Schema (03/2026). Collection method: clinical testing. Allele origin: germline.
Comment: The c.3229-1G>A variant in PKHD1 is a canonical splice acceptor site variant predicted to affect pre-mRNA splicing, which may result in an abnormal transcript and altered protein product. This variant is expected to result in nonsense mediated decay, truncation, or a dysfunctional protein product. This variant is rare in the general population with a frequency below the threshold expected for the associated phenotype(s). Given the available evidence, this variant is classified as Likely Pathogenic.

Labcorp Genetics (formerly Invitae), Labcorp
Classification: Likely pathogenic for Autosomal recessive polycystic kidney disease. Last evaluated: 2023-01-06. Review status: criteria provided, single submitter. Criteria: Invitae Variant Classification Sherloc (09022015). Collection method: clinical testing. Allele origin: germline.
Comment: This sequence change affects an acceptor splice site in intron 28 of the PKHD1 gene. It is expected to disrupt RNA splicing. Variants that disrupt the donor or acceptor splice site typically lead to a loss of protein function (PMID: 16199547), and loss-of-function variants in PKHD1 are known to be pathogenic (PMID: 19940839). This variant is not present in population databases (gnomAD no frequency). In summary, the currently available evidence indicates that the variant is pathogenic, but additional data are needed to prove that conclusively. Therefore, this variant has been classified as Likely Pathogenic. Algorithms developed to predict the effect of sequence changes on RNA splicing suggest that this variant may disrupt the consensus splice site. This variant has not been reported in the literature in individuals affected with PKHD1-related conditions.

Literature cited by the submitters: PubMed 16199547 (cited by Labcorp Genetics (formerly Invitae), Labcorp); PubMed 19940839 (cited by Labcorp Genetics (formerly Invitae), Labcorp).

NM_138694.4(PKHD1):c.3229-1G>A

Gene: PKHD1 (PKHD1 ciliary IPT domain containing fibrocystin/polyductin; minus strand). Cytogenetic location: 6p12.2.
Variant type: single nucleotide variant.
Coding change: c.3229-1G>A on transcript NM_138694.4 (MANE Select); the canonical splice acceptor site of the intron before coding-DNA position 3229, G replaced by A.
Molecular consequence: splice acceptor variant.
Genome position (GRCh38, 1-based): chr6:52,033,166, C>T on the plus strand (G>A on the coding strand, the complement: PKHD1 is on the minus strand). VCF-style: chr6-52033166-C-T. GRCh37 (hg19) VCF-style: chr6-51897964-C-T.
Other names: c.3229-1G>A (NM_170724.3, NM_138694.3).
Identifiers: ClinVar variation 2826681 (VCV002826681.4), dbSNP rs2532875684, ClinGen allele CA364441606.
Genomic context (GRCh38, chr6:52,033,166, plus strand): 5'-AAGAACTGCAGAATAGTCCCCTCTGATCACAGTCACATTCACAATGCGTCCATCTTTCCC[C>T]TGAAAAATCAATTTTAAAAATTAAACCTCAGTTTTATTTTAAAGTAGGACTGACTTAAGG-3'